The following is an entry in ClinVar:

ClinVar aggregate classification (germline): Uncertain significance (1 of 4 stars; one submission).

Conditions:
Cryopyrin associated periodic syndrome (CAPS). Identifiers: Orphanet 208650, MedGen C2316212, MONDO:0016168.

Submission:

Labcorp Genetics (formerly Invitae), Labcorp
Classification: Uncertain significance for Cryopyrin associated periodic syndrome. Last evaluated: 2024-09-06. Review status: criteria provided, single submitter. Criteria: Invitae Variant Classification Sherloc (09022015). Collection method: clinical testing. Allele origin: germline.
Comment: This sequence change replaces phenylalanine, which is neutral and non-polar, with leucine, which is neutral and non-polar, at codon 520 of the NLRP3 protein (p.Phe520Leu). This variant is not present in population databases (gnomAD no frequency). This variant has not been reported in the literature in individuals affected with NLRP3-related conditions. ClinVar contains an entry for this variant (Variation ID: 1388512). Invitae Evidence Modeling of protein sequence and biophysical properties (such as structural, functional, and spatial information, amino acid conservation, physicochemical variation, residue mobility, and thermodynamic stability) indicates that this missense variant is expected to disrupt NLRP3 protein function with a positive predictive value of 95%. In summary, the available evidence is currently insufficient to determine the role of this variant in disease. Therefore, it has been classified as a Variant of Uncertain Significance.

NM_001243133.2(NLRP3):c.1552T>C (p.Phe518Leu)

Gene: NLRP3 (NLR family pyrin domain containing 3; plus strand). Cytogenetic location: 1q44.
Variant type: single nucleotide variant.
Coding change: c.1552T>C on transcript NM_001243133.2 (MANE Select); coding-DNA position 1552, T replaced by C.
Protein change: p.Phe518Leu; replaces phenylalanine 518 with leucine.
Molecular consequence: missense variant.
Genome position (GRCh38, 1-based): chr1:247,425,001, T>C. VCF-style: chr1-247425001-T-C. GRCh37 (hg19) VCF-style: chr1-247588303-T-C.
Other names: c.1552T>C, p.Phe518Leu (NM_001079821.3, NM_001127461.3, NM_001127462.3 and 1 more transcripts); c.1558T>C, p.Phe520Leu (NM_004895.5); short protein forms F518L, F520L.
Identifiers: ClinVar variation 1388512 (VCV001388512.8), dbSNP rs2103111336, ClinGen allele CA345557154.
Genomic context (GRCh38, chr1:247,425,001, plus strand): 5'-TCTGCTTTCCTGAGGATGAACCTGTTCCAAAAGGAAGTGGACTGCGAGAAGTTCTACAGC[T>C]TCATCCACATGACTTTCCAGGAGTTCTTTGCCGCCATGTACTACCTGCTGGAAGAGGAAA-3'
Protein context (NP_001230062.1, residues 508-528): KEVDCEKFYS[Phe518Leu]IHMTFQEFFA